The following is an entry in ClinVar:

NM_138713.4(NFAT5):c.4298C>G (p.Pro1433Arg)

Gene: NFAT5 (nuclear factor of activated T cells 5; plus strand). Cytogenetic location: 16q22.1.
Variant type: single nucleotide variant.
Coding change: c.4298C>G on transcript NM_138713.4 (MANE Select); coding-DNA position 4298, C replaced by G.
Protein change: p.Pro1433Arg; replaces proline 1433 with arginine.
Molecular consequence: missense variant.
Genome position (GRCh38, 1-based): chr16:69,694,123, C>G. VCF-style: chr16-69694123-C-G. GRCh37 (hg19) VCF-style: chr16-69728026-C-G.
Other names: c.4016C>G, p.Pro1339Arg (NM_138714.4, NM_173214.3, NM_173215.3); c.4295C>G, p.Pro1432Arg (NM_001113178.3); c.3623C>G, p.Pro1208Arg (NM_001367709.1); c.4244C>G, p.Pro1415Arg (NM_006599.4); short protein forms P1208R, P1339R, P1415R, P1432R, P1433R.
Identifiers: ClinVar variation 3604832 (VCV003604832.2).

ClinVar aggregate classification (germline): Uncertain significance (1 of 4 stars; one submission).

Conditions:
Immunodeficiency. Identifiers: MedGen C0021051, MONDO:0021094, HP:0002721.

gnomAD v4.1: 3 of 1,614,110 alleles (0.00019%); highest among the groups gnomAD compares: Admixed American, 0.0033%; no homozygotes.

Submission:

Labcorp Genetics (formerly Invitae), Labcorp
Classification: Uncertain significance for Immunodeficiency. Last evaluated: 2025-06-12. Review status: criteria provided, single submitter. Criteria: Invitae Variant Classification Sherloc (09022015). Collection method: clinical testing. Allele origin: germline.
Comment: This sequence change replaces proline, which is neutral and non-polar, with arginine, which is basic and polar, at codon 1339 of the NFAT5 protein (p.Pro1339Arg). This variant is present in population databases (no rsID available, gnomAD 0.006%). This variant has not been reported in the literature in individuals affected with NFAT5-related conditions. ClinVar contains an entry for this variant (Variation ID: 3604832). An algorithm developed to predict the effect of missense changes on protein structure and function (PolyPhen-2) suggests that this variant is likely to be disruptive. In summary, the available evidence is currently insufficient to determine the role of this variant in disease. Therefore, it has been classified as a Variant of Uncertain Significance.